The following is an entry in ClinVar:

ClinVar aggregate classification (germline): Uncertain significance. Review status: criteria provided, multiple submitters, no conflicts (2 of 4 stars). 3 submissions from 3 submitters: Uncertain significance (3). Last evaluated 2026-05-14.

Conditions:
Hereditary cancer-predisposing syndrome. Also called: Tumor predisposition; Hereditary Cancer Syndrome; Hereditary neoplastic syndrome; Neoplastic Syndromes, Hereditary. Identifiers: Orphanet 140162, MedGen C0027672, MeSH D009386, MONDO:0015356.
Neurofibromatosis, type 2 (SWNV). Also called: SCHWANNOMATOSIS, VESTIBULAR; NF2-Related Schwannomatosis; BILATERAL ACOUSTIC NEUROFIBROMATOSIS. Identifiers: Orphanet 637, MedGen C0027832, MONDO:0007039, OMIM 101000. Disease mechanism: loss of function.

Submissions (3):

Ambry Genetics
Classification: Uncertain significance for Hereditary cancer-predisposing syndrome. Last evaluated: 2026-05-14. Review status: criteria provided, single submitter. Criteria: Ambry Variant Classification Scheme 2023. Collection method: clinical testing. Allele origin: germline.
Comment: The p.M29I variant (also known as c.87G>A), located in coding exon 1 of the NF2 gene, results from a G to A substitution at nucleotide position 87. The methionine at codon 29 is replaced by isoleucine, an amino acid with highly similar properties. This amino acid position is conserved. In addition, this alteration is predicted to be deleterious by in silico analysis. Based on the available evidence, the clinical significance of this variant remains unclear.

All of Us Research Program, National Institutes of Health
Classification: Uncertain significance for Neurofibromatosis, type 2. Last evaluated: 2023-11-30. Review status: criteria provided, single submitter. Criteria: ACMG Guidelines, 2015. Collection method: clinical testing. Allele origin: germline. Inheritance: Autosomal dominant inheritance. Observed: 1 variant allele, 1 heterozygote.
Comment: This study involves interpretation of variants in research participants for the purpose of population health screening. Participant phenotype was not available at the time of variant classification. Additional details can be found in publication PMID: 35346344, PMCID: PMC8962531

Labcorp Genetics (formerly Invitae), Labcorp
Classification: Uncertain significance for Neurofibromatosis, type 2. Last evaluated: 2022-09-26. Review status: criteria provided, single submitter. Criteria: Invitae Variant Classification Sherloc (09022015). Collection method: clinical testing. Allele origin: germline.
Comment: This sequence change replaces methionine, which is neutral and non-polar, with isoleucine, which is neutral and non-polar, at codon 29 of the NF2 protein (p.Met29Ile). This variant is not present in population databases (gnomAD no frequency). This variant has not been reported in the literature in individuals affected with NF2-related conditions. Advanced modeling of protein sequence and biophysical properties (such as structural, functional, and spatial information, amino acid conservation, physicochemical variation, residue mobility, and thermodynamic stability) performed at Invitae indicates that this missense variant is not expected to disrupt NF2 protein function. In summary, the available evidence is currently insufficient to determine the role of this variant in disease. Therefore, it has been classified as a Variant of Uncertain Significance.

NM_000268.4(NF2):c.87G>A (p.Met29Ile)

Gene: NF2 (NF2, moesin-ezrin-radixin like (MERLIN) tumor suppressor; plus strand). Cytogenetic location: 22q12.2.
Variant type: single nucleotide variant.
Coding change: c.87G>A on transcript NM_000268.4 (MANE Select); coding-DNA position 87, G replaced by A.
Protein change: p.Met29Ile; replaces methionine 29 with isoleucine.
Molecular consequence: missense variant. On other transcripts: non-coding transcript variant (1).
Genome position (GRCh38, 1-based): chr22:29,604,085, G>A. VCF-style: chr22-29604085-G-A. GRCh37 (hg19) VCF-style: chr22-30000074-G-A.
Other names: c.-144G>A (NM_001407053.1, NM_001407056.1); c.87G>A, p.Met29Ile (NM_001407054.1, NM_001407055.1, NM_001407057.1 and 15 more transcripts); c.-554G>A (NM_001407065.1); c.-170G>A (NM_001407067.1); short protein forms M29I.
Identifiers: ClinVar variation 2182682 (VCV002182682.6), dbSNP rs2518227683, ClinGen allele CA411146177.